The following is an entry in ClinVar:

ClinVar aggregate classification (germline): Pathogenic (1 of 4 stars; one submission).

Conditions:
Hereditary thrombocytopenia and hematological cancer predisposition syndrome associated with RUNX1. Also called: Familial Platelet Disorder with Propensity to Acute Myelogenous Leukemia; Familial thrombocytopenia with propensity to acute myelogenous leukemia; PLATELET DISORDER, ASPIRIN-LIKE; RUNX1 Familial Platelet Disorder with Associated Myeloid Malignancies. Identifiers: Orphanet 71290, MedGen C1832388, MeSH C563324, MONDO:0100083, OMIM 601399.

Submission:

Labcorp Genetics (formerly Invitae), Labcorp
Classification: Pathogenic for Hereditary thrombocytopenia and hematological cancer predisposition syndrome associated with RUNX1. Last evaluated: 2016-11-18. Review status: criteria provided, single submitter. Criteria: Invitae Variant Classification Sherloc (09022015). Collection method: clinical testing. Allele origin: germline.
Comment: A gross deletion of the genomic region encompassing the full coding sequence of the RUNX1 gene has been identified. The boundaries of this event are unknown as the deletion extends beyond the assayed region for this gene and therefore may encompass additional genes. Loss-of-function variants in RUNX1 are known to be pathogenic. Deletions of the entire RUNX1 gene have been reported in the literature in individuals affected with familial and idiopathic platelet disorder and acute myeloid leukemia (PMID: 19357396, 19679353, 21880633). For these reasons, this variant has been classified as Pathogenic.

NC_000021.9:g.(?_34787801)_(35048958_?)del

Genes: RUNX1 (RUNX family transcription factor 1; minus strand), RUNX1-AS1 (RUNX1 antisense RNA 1; plus strand), RUNX1-IT1 (RUNX1 intronic transcript 1; minus strand), LOC125418065 (Sharpr-MPRA regulatory region 10330; plus strand), LOC125418066 (Sharpr-MPRA regulatory region 3099; plus strand) and 20 more. Cytogenetic location: 21q22.12.
Variant type: Deletion.
Identifiers: ClinVar variation 417476 (VCV000417476.1).